The following is an entry in ClinVar:

NM_006506.5(RASA2):c.452G>A (p.Gly151Asp)

Gene: RASA2 (RAS p21 protein activator 2; plus strand). Cytogenetic location: 3q23.
Variant type: single nucleotide variant.
Coding change: c.452G>A on transcript NM_006506.5 (MANE Select); coding-DNA position 452, G replaced by A.
Protein change: p.Gly151Asp; replaces glycine 151 with aspartic acid.
Molecular consequence: missense variant.
Genome position (GRCh38, 1-based): chr3:141,540,534, G>A. VCF-style: chr3-141540534-G-A. GRCh37 (hg19) VCF-style: chr3-141259376-G-A.
Other names: c.452G>A, p.Gly151Asp (NM_001303245.3, NM_001303246.3); short protein forms G151D.
Identifiers: ClinVar variation 3312842 (VCV003312842.1).

ClinVar aggregate classification (germline): Uncertain significance (1 of 4 stars; one submission).

Submission:

Ambry Genetics
Classification: Uncertain significance. Last evaluated: 2024-05-22. Review status: criteria provided, single submitter. Criteria: Ambry Variant Classification Scheme 2023. Collection method: clinical testing. Allele origin: germline.
Comment: The p.G151D variant (also known as c.452G>A), located in coding exon 5 of the RASA2 gene, results from a G to A substitution at nucleotide position 452. The glycine at codon 151 is replaced by aspartic acid, an amino acid with similar properties. This amino acid position is conserved. In addition, this alteration is predicted to be deleterious by in silico analysis. Based on the available evidence, the clinical significance of this variant remains unclear.